The following is an entry in ClinVar:

ClinVar aggregate classification (germline): Likely benign. Review status: criteria provided, multiple submitters, no conflicts (2 of 4 stars). 2 submissions from 2 submitters: Likely benign (2). Last evaluated 2025-01-27.

Allele frequency attached by ClinVar (database versions not stated): TOPMed 0.00001.
gnomAD v4.1: 15 of 1,612,780 alleles (0.00093%); highest among the groups gnomAD compares: East Asian, 0.0022%; no homozygotes.

Submissions (2):

Labcorp Genetics (formerly Invitae), Labcorp
Classification: Likely benign. Last evaluated: 2025-01-27. Review status: criteria provided, single submitter. Criteria: Invitae Variant Classification Sherloc (09022015). Collection method: clinical testing. Allele origin: germline.

Women's Health and Genetics/Laboratory Corporation of America, LabCorp
Classification: Likely benign. Last evaluated: 2023-08-18. Review status: criteria provided, single submitter. Criteria: LabCorp Variant Classification Summary - May 2015. Collection method: clinical testing. Allele origin: germline.
Comment: Variant summary: FRAP1 c.5592G>A alters a non-conserved nucleotide resulting in a synonymous change. 4/4 computational tools predict no significant impact on normal splicing. However, these predictions have yet to be confirmed by functional studies. The variant allele was found at a frequency of 1.2e-05 in 247966 control chromosomes (gnomAD). The available data on variant occurrences in the general population are insufficient to allow any conclusion about variant significance. To our knowledge, no occurrence of c.5592G>A in individuals affected with Smith-Kingsmore Syndrome and no experimental evidence demonstrating its impact on protein function have been reported. One submitter has cited a clinical-significance assessment for this variant to ClinVar after 2014 and has classified the variant as likely benign. Based on the evidence outlined above, the variant was classified as likely benign.

NM_004958.4(MTOR):c.5592G>A (p.Pro1864=)

Gene: MTOR (mechanistic target of rapamycin kinase; minus strand). Cytogenetic location: 1p36.22.
Variant type: single nucleotide variant.
Coding change: c.5592G>A on transcript NM_004958.4 (MANE Select); coding-DNA position 5592, G replaced by A.
Protein change: p.Pro1864=; no amino-acid change (proline 1864 retained).
Molecular consequence: synonymous variant.
Genome position (GRCh38, 1-based): chr1:11,130,550, C>T on the plus strand (G>A on the coding strand, the complement: MTOR is on the minus strand). VCF-style: chr1-11130550-C-T. GRCh37 (hg19) VCF-style: chr1-11190607-C-T.
Other names: c.5592G>A, p.Pro1864= (NM_001386500.1); c.4344G>A, p.Pro1448= (NM_001386501.1); c.5592G>A (NM_004958.3).
Identifiers: ClinVar variation 1112867 (VCV001112867.9), dbSNP rs762660728, ClinGen allele CA17943388.
Genomic context (GRCh38, chr1:11,130,550, plus strand): 5'-ACCTTGGTTGGTTGTTAATAAGGAAGAAGGGAAGGGTACCTCAGTGACCTTCTTCTGCAG[C>T]GGCGATGGGGTGGGGCTGTTCTCGGTGCTCTCGGCCTCGCTCTCACTGTTGCTGCCCTCG-3'
Protein context (NP_004949.1, residues 1854-1874): ESTENSPTPS[Pro1864=]LQKKVTEDLS